The following is an entry in ClinVar:

ClinVar aggregate classification (germline): Uncertain significance (1 of 4 stars; one submission).

Conditions:
Microcephaly-intellectual disability-sensorineural hearing loss-epilepsy-abnormal muscle tone syndrome (NEDHSB). Also called: NEURODEVELOPMENTAL DISORDER WITH HEARING LOSS, SEIZURES, AND BRAIN ABNORMALITIES. Identifiers: Orphanet 457351, MedGen C4225276, MONDO:0014698, OMIM 616577.

Submission:

Department of Molecular Genetics, Istishari Arab Hospital
Classification: Uncertain significance for Microcephaly-intellectual disability-sensorineural hearing loss-epilepsy-abnormal muscle tone syndrome. Last evaluated: 2026-09-28. Review status: criteria provided, single submitter. Criteria: ACMG Guidelines, 2015. Collection method: clinical testing. Allele origin: germline. Inheritance: Autosomal recessive inheritance. Affected: yes.
Comment: The AFG2A variant c.168_170del, p.Asp57del creates an amino acid deletion at codon 57 in exon no. 2 (of 16). SpliceAI predicts a potential effect on splicing (delta score: 0.960). The variant is not observed in the gnomAD v4.1.0 dataset, and to the best of our knowledge, it was not previously reported in the literature. It is classified as a variant of uncertain significance according to the recommendations of ACMG/AMP/ClinGen SVI guidelines.

NM_145207.3(AFG2A):c.168_170del (p.Asp57del)

Gene: AFG2A (AAA ATPase AFG2A; plus strand). Cytogenetic location: 4q28.1.
Variant type: Deletion.
Coding change: c.168_170del on transcript NM_145207.3 (MANE Select); coding-DNA positions 168 to 170, 3 bases deleted (TGA; older notation c.168_170delTGA).
Protein change: p.Asp57del; deletes aspartic acid 57.
Molecular consequence: inframe deletion.
Genome position (GRCh38, 1-based): chr4:122,927,638-122,927,640, TGA deleted; deleting any 3 consecutive bases within chr4:122,927,636-122,927,640 gives the same sequence; the c. name uses the placement nearest the transcript's 3' end. VCF-style (leftmost placement, unchanged base first): chr4-122927635-AGAT-A. GRCh37 (hg19) VCF-style: chr4-123848790-AGAT-A.
Other names: p.Asp57del; c.168_170del, p.Asp57del (NM_001438322.1); short protein forms D57del.
Identifiers: ClinVar variation 5010262 (VCV005010262.1).